The following is an entry in ClinVar:

ClinVar aggregate classification (germline): Uncertain significance (1 of 4 stars; one submission).

Conditions:
Dyskeratosis congenita, autosomal dominant 6 (DKCA6). Identifiers: Orphanet 3322, MedGen C4225284, MONDO:0014690, OMIM 616553.

Submission:

Labcorp Genetics (formerly Invitae), Labcorp
Classification: Uncertain significance for Dyskeratosis congenita, autosomal dominant 6. Last evaluated: 2025-12-15. Review status: criteria provided, single submitter. Criteria: Invitae Variant Classification Sherloc (09022015). Collection method: clinical testing. Allele origin: germline.
Comment: This sequence change replaces histidine, which is basic and polar, with proline, which is neutral and non-polar, at codon 370 of the ACD protein (p.His370Pro). This variant is not present in population databases (gnomAD no frequency). This variant has not been reported in the literature in individuals affected with ACD-related conditions. Invitae Evidence Modeling of protein sequence and biophysical properties (such as structural, functional, and spatial information, amino acid conservation, physicochemical variation, residue mobility, and thermodynamic stability) indicates that this missense variant is not expected to disrupt ACD protein function with a negative predictive value of 80%. In summary, the available evidence is currently insufficient to determine the role of this variant in disease. Therefore, it has been classified as a Variant of Uncertain Significance.

NM_001082486.2(ACD):c.851A>C (p.His284Pro)

Gene: ACD (ACD shelterin complex subunit and telomerase recruitment factor; minus strand). Cytogenetic location: 16q22.1.
Variant type: single nucleotide variant.
Coding change: c.851A>C on transcript NM_001082486.2 (MANE Select); coding-DNA position 851, A replaced by C.
Protein change: p.His284Pro; replaces histidine 284 with proline.
Molecular consequence: missense variant.
Genome position (GRCh38, 1-based): chr16:67,658,341, T>G on the plus strand (A>C on the coding strand, the complement: ACD is on the minus strand). VCF-style: chr16-67658341-T-G. GRCh37 (hg19) VCF-style: chr16-67692244-T-G.
Other names: c.764A>C, p.His255Pro (NM_001410884.1); c.842A>C, p.His281Pro (NM_022914.3); short protein forms H281P, H284P, H255P.
Identifiers: ClinVar variation 4742280 (VCV004742280.1).